The following is an entry in ClinVar:

ClinVar aggregate classification (germline): Uncertain significance. Review status: criteria provided, multiple submitters, no conflicts (2 of 4 stars). 15 submissions from 15 submitters: Uncertain significance (13). 2 of the submissions do not count toward it. Last evaluated 2026-07-27.

Conditions:
Inborn genetic diseases. Identifiers: MedGen C0950123, MeSH D030342.
Glycine encephalopathy. Also called: Nonketotic hyperglycinemia; Non-ketotic hyperglycinemia. Identifiers: Orphanet 407, MedGen C0751748, MONDO:0011612, HP:0008288.
Glycine encephalopathy 1 (GCE1). Identifiers: MedGen CN376801, MONDO:0958179, OMIM 605899.

Allele frequency attached by ClinVar (database versions not stated): TOPMed 0.00028; gnomAD 0.00030 and 0.00031; ExAC 0.00031; gnomAD exomes 0.00032 and 0.00082; ESP Exome Variant Server 0.00054.
gnomAD v4.1: 1,212 of 1,613,774 alleles (0.075%); highest among the groups gnomAD compares: Non-Finnish European, 0.099%; 2 homozygotes.

Submissions (15):

Ambry Genetics
Classification: Uncertain significance for Inborn genetic diseases. Last evaluated: 2026-07-27. Review status: criteria provided, single submitter. Criteria: Ambry Variant Classification Scheme 2023. Collection method: clinical testing. Allele origin: germline.
Comment: The c.1000T>C (p.F334L) alteration is located in exon 7 (coding exon 7) of the GLDC gene. This alteration results from a T to C substitution at nucleotide position 1000, causing the phenylalanine (F) at amino acid position 334 to be replaced by a leucine (L). Based on data from gnomAD, this variant has an overall frequency of 0.05% (89/282794) total alleles studied. The highest observed frequency was 0.06% (78/129116) of European (non-Finnish) alleles. This variant has been identified in the homozygous state and/or in conjunction with other GLDC variant(s) in individual(s) with features consistent with GLDC-related glycine encephalopathy; in at least one instance, the variants were identified in trans (Swanson, 2015). This amino acid position is highly conserved in available vertebrate species. This alteration is predicted to be deleterious by in silico analysis. Based on insufficient or conflicting evidence, the clinical significance of this alteration remains unclear.

Women's Health and Genetics/Laboratory Corporation of America, LabCorp
Classification: Uncertain significance. Last evaluated: 2026-04-13. Review status: criteria provided, single submitter. Criteria: LabCorp Variant Classification Summary - May 2015. Collection method: clinical testing. Allele origin: germline.
Comment: Variant summary: GLDC c.1000T>C (p.Phe334Leu) results in a non-conservative amino acid change located in the Glycine cleavage system P-protein, N-terminal domain (IPR049315) of the encoded protein sequence. Algorithms developed to predict the effect of missense changes on protein structure and function all suggest that this variant is likely to be disruptive. The variant allele was found at a frequency of 0.00032 in 251400 control chromosomes. This frequency is not significantly higher than estimated for disease-causing variants in GLDC, allowing no conclusion about variant significance. c.1000T>C has been observed in individual(s) affected with Glycine Encephalopathy (Non-Ketotic Hyperglycinemia)(Swanson_2015). These data do not allow any conclusion about variant significance. To our knowledge, no experimental evidence demonstrating an impact on protein function has been reported. The following publications have been ascertained in the context of this evaluation (PMID: 27362913, 32421718, 26179960). ClinVar contains an entry for this variant (Variation ID: 367196). Based on the evidence outlined above, the variant was classified as uncertain significance.

Mayo Clinic Laboratories, Mayo Clinic
Classification: Uncertain significance. Last evaluated: 2025-09-22. Review status: criteria provided, single submitter. Criteria: ACMG Guidelines, 2015. Collection method: clinical testing. Allele origin: germline. Observed: 2 variant alleles.
Comment: PP3_moderate, PP4, PM3

Blueprint Genetics
Classification: Uncertain significance. Last evaluated: 2024-09-11. Review status: criteria provided, single submitter. Criteria: ACMG Guidelines, 2015. Collection method: clinical testing. Allele origin: germline.

GeneDx
Classification: Uncertain significance. Last evaluated: 2024-07-12. Review status: criteria provided, single submitter. Criteria: GeneDx Variant Classification Process June 2021. Collection method: clinical testing. Allele origin: germline. Affected: yes.
Comment: Reported previously in an individual with severe nonketotic hyperglycinemia who harbored a deletion of exons 1-25 in the GLDC gene on the opposite allele (PMID: 26179960); In silico analysis supports that this missense variant has a deleterious effect on protein structure/function; This variant is associated with the following publications: (PMID: 32421718, 27362913, 26179960)

ARUP Laboratories, Molecular Genetics and Genomics, ARUP Laboratories
Classification: Uncertain significance for Glycine encephalopathy 1. Last evaluated: 2023-10-06. Review status: criteria provided, single submitter. Criteria: ARUP Molecular Germline Variant Investigation Process 2024. Collection method: clinical testing. Allele origin: germline.

Genetics and Molecular Pathology, SA Pathology
Classification: Uncertain significance for Glycine encephalopathy 1. Last evaluated: 2023-07-07. Review status: criteria provided, single submitter. Criteria: ACMG Guidelines, 2015. Collection method: clinical testing. Allele origin: germline. Inheritance: Autosomal recessive inheritance. Affected: yes.
Comment: The GLDC c.1000T>C variant is classified as a VARIANT of UNCERTAIN SIGNIFICANCE (PS4_Supporting, PM3, PP3) The GLDC c.1000T>C variant is a single nucleotide change in exon 7/25 of the GLDC gene, which is predicted to change the amino acid phenylalanine at position 334 in the protein to leucine. This variant has been previously reported in a patient with Glycine encephalopathy in trans with a deletion of the GLDC gene (PMID:32421718) (PS4_Supporting) (PM3). Computational predictions support a deleterious effect on the gene or gene product (PP3). The variant has been reported in dbSNP (rs149133229) and in the HGMD database: CM1510140. It has been reported as Uncertain significance by other diagnostic laboratories (ClinVar Variation ID: 367196).

Labcorp Genetics (formerly Invitae), Labcorp
Classification: Uncertain significance for Glycine encephalopathy. Last evaluated: 2022-10-05. Review status: criteria provided, single submitter. Criteria: Invitae Variant Classification Sherloc (09022015). Collection method: clinical testing. Allele origin: germline.
Comment: This sequence change replaces phenylalanine, which is neutral and non-polar, with leucine, which is neutral and non-polar, at codon 334 of the GLDC protein (p.Phe334Leu). This variant is present in population databases (rs149133229, gnomAD 0.06%). This missense change has been observed in individual(s) with clinical features of glycine encephalopathy and/or nonketotic hyperglycinemia (PMID: 26179960, 32421718). In at least one individual the data is consistent with being in trans (on the opposite chromosome) from a pathogenic variant. ClinVar contains an entry for this variant (Variation ID: 367196). Advanced modeling of protein sequence and biophysical properties (such as structural, functional, and spatial information, amino acid conservation, physicochemical variation, residue mobility, and thermodynamic stability) performed at Invitae indicates that this missense variant is not expected to disrupt GLDC protein function. In summary, the available evidence is currently insufficient to determine the role of this variant in disease. Therefore, it has been classified as a Variant of Uncertain Significance.

Fulgent Genetics
Classification: Uncertain significance for Glycine encephalopathy 1. Last evaluated: 2022-01-27. Review status: criteria provided, single submitter. Criteria: ACMG Guidelines, 2015. Collection method: clinical testing. Allele origin: unknown.

Department of Pathology and Laboratory Medicine, Sinai Health System
Classification: Uncertain significance for Glycine encephalopathy 1. Last evaluated: 2021-10-25. Review status: criteria provided, single submitter. Criteria: ACMG Guidelines, 2015. Collection method: research. Allele origin: germline.

Laboratorio de Genetica e Diagnostico Molecular, Hospital Israelita Albert Einstein
Classification: Uncertain significance. Last evaluated: 2021-04-05. Review status: criteria provided, single submitter. Criteria: ACMG Guidelines, 2015. Collection method: clinical testing. Allele origin: germline. Affected: yes.
Comment: ACMG classification criteria: PM2, PM3, PP3

CeGaT Center for Human Genetics Tuebingen
Classification: Uncertain significance. Last evaluated: 2018-12-01. Review status: criteria provided, single submitter. Criteria: CeGaT Center For Human Genetics Tuebingen Variant Classification Criteria Version 2. Collection method: clinical testing. Allele origin: germline. Affected: yes. Observed: 1 variant allele.

Illumina Laboratory Services, Illumina
Classification: Uncertain significance for Glycine encephalopathy 1. Last evaluated: 2018-01-13. Review status: criteria provided, single submitter. Criteria: ICSL Variant Classification Criteria 13 December 2019. Collection method: clinical testing. Allele origin: germline.

Natera, Inc.
Classification: Uncertain significance for Non-ketotic hyperglycinemia. Last evaluated: 2020-09-16. Review status: no assertion criteria provided. Collection method: clinical testing. Allele origin: germline. Not counted in ClinVar's aggregate classification.

Counsyl
Classification: Uncertain significance for Glycine encephalopathy 1. Last evaluated: 2017-01-03. Review status: no assertion criteria provided. Collection method: clinical testing. Allele origin: unknown. Not counted in ClinVar's aggregate classification.

Literature cited by the submitters: PubMed 26179960 (cited by 5 submitters); PubMed 27362913 (cited by Women's Health and Genetics/Laboratory Corporation of America, LabCorp and Mayo Clinic Laboratories, Mayo Clinic); PubMed 32421718 (cited by 4 submitters).

NM_000170.3(GLDC):c.1000T>C (p.Phe334Leu)

Gene: GLDC (glycine decarboxylase; minus strand). Cytogenetic location: 9p24.1.
Variant type: single nucleotide variant.
Coding change: c.1000T>C on transcript NM_000170.3 (MANE Select); coding-DNA position 1000, T replaced by C.
Protein change: p.Phe334Leu; replaces phenylalanine 334 with leucine.
Molecular consequence: missense variant.
Genome position (GRCh38, 1-based): chr9:6,604,646, A>G on the plus strand (T>C on the coding strand, the complement: GLDC is on the minus strand). VCF-style: chr9-6604646-A-G. GRCh37 (hg19) VCF-style: chr9-6604646-A-G.
Other names: p.Phe334Leu; short protein forms F334L.
Identifiers: ClinVar variation 367196 (VCV000367196.69), dbSNP rs149133229, ClinGen allele CA4980904.